The following is an entry in ClinVar:

NM_000489.6(ATRX):c.1608G>T (p.Met536Ile)

Gene: ATRX (ATRX chromatin remodeler; minus strand). Cytogenetic location: Xq21.1.
Variant type: single nucleotide variant.
Coding change: c.1608G>T on transcript NM_000489.6 (MANE Select); coding-DNA position 1608, G replaced by T.
Protein change: p.Met536Ile; replaces methionine 536 with isoleucine.
Molecular consequence: missense variant.
Genome position (GRCh38, 1-based): chrX:77,683,648, C>A on the plus strand (G>T on the coding strand, the complement: ATRX is on the minus strand). VCF-style: chrX-77683648-C-A. GRCh37 (hg19) VCF-style: chrX-76939140-C-A.
Other names: c.1494G>T, p.Met498Ile (NM_138270.5); short protein forms M536I, M498I.
Identifiers: ClinVar variation 373467 (VCV000373467.3), dbSNP rs1057518436, ClinGen allele CA16043318.

ClinVar aggregate classification (germline): Uncertain significance. Review status: criteria provided, single submitter (1 of 4 stars). 2 submissions from 1 submitter: Uncertain significance (1). 1 of the submissions does not count toward it. Last evaluated 2020-01-08.

Allele frequency attached by ClinVar (database versions not stated): gnomAD 0.00001.
gnomAD v4.1: 1 of 1,209,579 alleles (0.000083%); highest among the groups gnomAD compares: African/African-American, 0.0017%; no homozygotes.

Submissions (2):

GeneDx
Classification: Uncertain significance. Last evaluated: 2020-01-08. Review status: criteria provided, single submitter. Criteria: GeneDx Variant Classification Process June 2021. Collection method: clinical testing. Allele origin: germline. Affected: yes.
Comment: Not observed in large population cohorts (Lek et al., 2016); In silico analysis, which includes protein predictors and evolutionary conservation, supports that this variant does not alter protein structure/function; Has not been previously published as pathogenic or benign to our knowledge

GeneDx
Classification: Uncertain significance. Last evaluated: 2016-11-28. Review status: flagged submission. Criteria: GeneDx Variant Classification (06012015). Collection method: clinical testing. Allele origin: germline. Affected: yes. Not counted in ClinVar's aggregate classification.
Comment: The M536I variant in the ATRX gene has not been reported previously as a pathogenic variant, nor as a benign variant, to our knowledge. The M536I variant was not observed in approximately 6,500 individuals of European and African American ancestry in the NHLBI Exome Sequencing Project, indicating it is not a common benign variant in these populations. The M536I variant is a conservative amino acid substitution, which occurs at a position that is conserved in mammals. In silico analysis is inconsistent in its predictions as to whether or not the variant is damaging to the protein structure/function. We interpret M536I as a variant of uncertain significance.
ClinVar note: Reason: This record appears to be redundant with a more recent record from the same submitter.
ClinVar note: Notes: SCV000492059 appears to be redundant with SCV001783371.